The following is an entry in ClinVar:

ClinVar aggregate classification (germline): Uncertain significance (1 of 4 stars; one submission).

Submission:

Labcorp Genetics (formerly Invitae), Labcorp
Classification: Uncertain significance. Last evaluated: 2022-03-10. Review status: criteria provided, single submitter. Criteria: Invitae Variant Classification Sherloc (09022015). Collection method: clinical testing. Allele origin: germline.
Comment: This variant has not been reported in the literature in individuals affected with ZNF513-related conditions. This sequence change creates a premature translational stop signal (p.Gly354*) in the ZNF513 gene. While this is not anticipated to result in nonsense mediated decay, it is expected to disrupt the last 188 amino acid(s) of the ZNF513 protein. This variant is not present in population databases (gnomAD no frequency). ClinVar contains an entry for this variant (Variation ID: 841263). Experimental studies and prediction algorithms are not available or were not evaluated, and the functional significance of this variant is currently unknown. In summary, the available evidence is currently insufficient to determine the role of this variant in disease. Therefore, it has been classified as a Variant of Uncertain Significance.

NM_144631.6(ZNF513):c.1060_1067del (p.Gln353_Gly354insTer)

Gene: ZNF513 (zinc finger protein 513; minus strand). Cytogenetic location: 2p23.3.
Variant type: Microsatellite.
Coding change: c.1060_1067del on transcript NM_144631.6 (MANE Select); coding-DNA positions 1060 to 1067, 8 bases deleted (GGCCCCAG; older notation c.1060_1067delGGCCCCAG).
Protein change: p.Gln353_Gly354insTer.
Molecular consequence: nonsense.
Genome position (GRCh38, 1-based): chr2:27,378,104-27,378,111, CTGGGGCC deleted on the plus strand (GGCCCCAG on the coding strand, the reverse complement: ZNF513 is on the minus strand); deleting any 8 consecutive bases within chr2:27,378,104-27,378,120 gives the same sequence; the c. name uses the placement nearest the transcript's 3' end. VCF-style (leftmost placement, unchanged base first): chr2-27378103-ACTGGGGCC-A. GRCh37 (hg19) VCF-style: chr2-27600970-ACTGGGGCC-A.
Other names: c.874_881del, p.Gln291_Gly292insTer (NM_001201459.2).
Identifiers: ClinVar variation 841263 (VCV000841263.7), dbSNP rs1683428374, ClinGen allele CA916082523.